The following is an entry in ClinVar:

NM_153443.5(KIR3DL3):c.1195C>G (p.Gln399Glu)

Genes: KIR3DL3 (killer cell immunoglobulin like receptor, three Ig domains and long cytoplasmic tail 3), LOC126862932 (BRD4-independent group 4 enhancer GRCh37_chr19:55246834-55248033). Cytogenetic location: 19q13.42.
Variant type: single nucleotide variant.
Coding change: c.1195C>G on transcript NM_153443.5 (MANE Select); coding-DNA position 1195, C replaced by G.
Protein change: p.Gln399Glu; replaces glutamine 399 with glutamic acid.
Molecular consequence: missense variant.
Genome position (GRCh38, 1-based): chr19:54,736,058, C>G. VCF-style: chr19-54736058-C-G. GRCh37 (hg19) VCF-style: chr19-55247525-C-G.
Other names: short protein forms Q399E.
Identifiers: ClinVar variation 2308101 (VCV002308101.27), dbSNP rs753735306, ClinGen allele CA309853428.

ClinVar aggregate classification (germline): Conflicting classifications of pathogenicity. Review status: criteria provided, conflicting classifications (1 of 4 stars). 2 submissions from 2 submitters: Uncertain significance (1); Likely benign (1). Last evaluated 2024-11-21.

Allele frequency attached by ClinVar (database versions not stated): ExAC 0.00008; gnomAD 0.00066; TOPMed 0.00079.
gnomAD v4.1: 342 of 1,613,582 alleles (0.021%); highest among the groups gnomAD compares: African/African-American, 0.19%; no homozygotes.

Submissions (2):

Ambry Genetics
Classification: Uncertain significance. Last evaluated: 2024-11-21. Review status: criteria provided, single submitter. Criteria: Ambry Variant Classification Scheme 2023. Collection method: clinical testing. Allele origin: germline.

CeGaT Center for Human Genetics Tuebingen
Classification: Likely benign. Last evaluated: 2022-11-01. Review status: criteria provided, single submitter. Criteria: CeGaT Center For Human Genetics Tuebingen Variant Classification Criteria Version 2. Collection method: clinical testing. Allele origin: germline. Affected: yes. Observed: 1 variant allele.
Comment: KIR3DL3: PP2, BP4, BS2